The following is an entry in ClinVar:

NM_198578.4(LRRK2):c.5702A>G (p.Glu1901Gly)

Gene: LRRK2 (leucine rich repeat kinase 2; plus strand). Cytogenetic location: 12q12.
Variant type: single nucleotide variant.
Coding change: c.5702A>G on transcript NM_198578.4 (MANE Select); coding-DNA position 5702, A replaced by G.
Protein change: p.Glu1901Gly; replaces glutamic acid 1901 with glycine.
Molecular consequence: missense variant.
Genome position (GRCh38, 1-based): chr12:40,328,405, A>G. VCF-style: chr12-40328405-A-G. GRCh37 (hg19) VCF-style: chr12-40722207-A-G.
Other names: short protein forms E1901G.
Identifiers: ClinVar variation 1749181 (VCV001749181.2), dbSNP rs2499907512, ClinGen allele CA384399583.

ClinVar aggregate classification (germline): Uncertain significance (1 of 4 stars; one submission).

Conditions:
Inborn genetic diseases. Identifiers: MedGen C0950123, MeSH D030342.

Submission:

Ambry Genetics
Classification: Uncertain significance for Inborn genetic diseases. Last evaluated: 2022-04-19. Review status: criteria provided, single submitter. Criteria: Ambry Variant Classification Scheme 2023. Collection method: clinical testing. Allele origin: germline.
Comment: The p.E1901G variant (also known as c.5702A>G), located in coding exon 39 of the LRRK2 gene, results from an A to G substitution at nucleotide position 5702. The glutamic acid at codon 1901 is replaced by glycine, an amino acid with similar properties. This amino acid position is conserved. In addition, the in silico prediction for this alteration is inconclusive. Since supporting evidence is limited at this time, the clinical significance of this alteration remains unclear.